The following is an entry in ClinVar:

ClinVar aggregate classification (germline): Uncertain significance. Review status: criteria provided, multiple submitters, no conflicts (2 of 4 stars). 3 submissions from 3 submitters: Uncertain significance (2). 1 of the submissions does not count toward it. Last evaluated 2025-04-04.

Conditions:
Multiple sclerosis. Identifiers: MedGen C0026769, MONDO:0005301.
Inborn genetic diseases. Identifiers: MedGen C0950123, MeSH D030342.

Allele frequency attached by ClinVar (database versions not stated): gnomAD exomes 0.00008 and 0.00010; ExAC 0.00010; gnomAD 0.00013 and 0.00015; ESP Exome Variant Server 0.00015.
gnomAD v4.1: 168 of 1,590,678 alleles (0.011%); highest among the groups gnomAD compares: Non-Finnish European, 0.013%; no homozygotes.

Submissions (3):

Ambry Genetics
Classification: Uncertain significance for Inborn genetic diseases. Last evaluated: 2025-04-04. Review status: criteria provided, single submitter. Criteria: Ambry Variant Classification Scheme 2023. Collection method: clinical testing. Allele origin: germline.

Labcorp Genetics (formerly Invitae), Labcorp
Classification: Uncertain significance. Last evaluated: 2023-10-15. Review status: criteria provided, single submitter. Criteria: Invitae Variant Classification Sherloc (09022015). Collection method: clinical testing. Allele origin: germline.
Comment: This sequence change replaces arginine, which is basic and polar, with tryptophan, which is neutral and slightly polar, at codon 1838 of the LAMA5 protein (p.Arg1838Trp). This variant is present in population databases (rs200449284, gnomAD 0.02%). This variant has not been reported in the literature in individuals affected with LAMA5-related conditions. ClinVar contains an entry for this variant (Variation ID: 1442403). An algorithm developed to predict the effect of missense changes on protein structure and function (PolyPhen-2) suggests that this variant is likely to be disruptive. In summary, the available evidence is currently insufficient to determine the role of this variant in disease. Therefore, it has been classified as a Variant of Uncertain Significance.

Department of Molecular Biology and Genetics, Acibadem University
Classification: Likely pathogenic for Multiple sclerosis. Last evaluated: 2024-06-10. Review status: no assertion criteria provided. Collection method: research. Allele origin: germline. Affected: yes. Not counted in ClinVar's aggregate classification.

NM_005560.6(LAMA5):c.5512C>T (p.Arg1838Trp)

Gene: LAMA5 (laminin subunit alpha 5; minus strand). Cytogenetic location: 20q13.33.
Variant type: single nucleotide variant.
Coding change: c.5512C>T on transcript NM_005560.6 (MANE Select); coding-DNA position 5512, C replaced by T.
Protein change: p.Arg1838Trp; replaces arginine 1838 with tryptophan.
Molecular consequence: missense variant.
Genome position (GRCh38, 1-based): chr20:62,325,333, G>A on the plus strand (C>T on the coding strand, the complement: LAMA5 is on the minus strand). VCF-style: chr20-62325333-G-A. GRCh37 (hg19) VCF-style: chr20-60900389-G-A.
Other names: c.5512C>T (NM_005560.3); short protein forms R1838W.
Identifiers: ClinVar variation 1442403 (VCV001442403.7), dbSNP rs200449284, ClinGen allele CA9942183.